The following is an entry in ClinVar:

NM_000384.3(APOB):c.2086G>C (p.Gly696Arg)

Gene: APOB (apolipoprotein B; minus strand). Cytogenetic location: 2p24.1.
Variant type: single nucleotide variant.
Coding change: c.2086G>C on transcript NM_000384.3 (MANE Select); coding-DNA position 2086, G replaced by C.
Protein change: p.Gly696Arg; replaces glycine 696 with arginine.
Molecular consequence: missense variant.
Genome position (GRCh38, 1-based): chr2:21,026,946, C>G on the plus strand (G>C on the coding strand, the complement: APOB is on the minus strand). VCF-style: chr2-21026946-C-G. GRCh37 (hg19) VCF-style: chr2-21249818-C-G.
Other names: short protein forms G696R.
Identifiers: ClinVar variation 4681002 (VCV004681002.1).
Genomic context (GRCh38, chr2:21,026,946, plus strand): 5'-TGACACTGTCTGGGAAAAATCCTTGCTTCCCAAAAAGAGCTTCCAATGTTGGCTCAAAGC[C>G]TTTTCCTTCCAAGCCAATCTGAGAAAGAAAATCAGACAAGAAAATGGCATCAGGTTTCTT-3'
Protein context (NP_000375.3, residues 686-706): DLIEIGLEGK[Gly696Arg]FEPTLEALFG

ClinVar aggregate classification (germline): Uncertain significance (1 of 4 stars; one submission).

Submission:

GeneDx
Classification: Uncertain significance. Last evaluated: 2025-07-03. Review status: criteria provided, single submitter. Criteria: GeneDx Variant Classification Process June 2021. Collection method: clinical testing. Allele origin: germline. Affected: yes.
Comment: Not observed at significant frequency in large population cohorts (gnomAD); In silico analysis supports that this missense variant has a deleterious effect on protein structure/function; Has not been previously published as pathogenic or benign to our knowledge; Also known as G669R